The following is an entry in ClinVar:

ClinVar aggregate classification (germline): Pathogenic (1 of 4 stars; one submission).

Conditions:
Autosomal recessive ataxia, Beauce type. Also called: Spinocerebellar ataxia, autosomal recessive 8; ATAXIA, RECESSIVE, OF BEAUCE; SYNE1 Deficiency; SYNE1-Related Autosomal Recessive Cerebellar Ataxia. Identifiers: Orphanet 88644, MedGen C1853116, MONDO:0012549, OMIM 610743.
Emery-Dreifuss muscular dystrophy 4, autosomal dominant (EDMD4). Also called: EMERY-DREIFUSS MUSCULAR DYSTROPHY 4 WITH VARIABLE FEATURES. Identifiers: Orphanet 261, MedGen C2751807, MONDO:0013071, OMIM 612998.

Allele frequency attached by ClinVar (database versions not stated): gnomAD exomes below 0.00001 and 0.00001; ExAC 0.00001.
gnomAD v4.1: 11 of 1,613,928 alleles (0.00068%); highest among the groups gnomAD compares: Non-Finnish European, 0.00085%; no homozygotes.

Submission:

Labcorp Genetics (formerly Invitae), Labcorp
Classification: Pathogenic for Emery-Dreifuss muscular dystrophy 4, autosomal dominant; Autosomal recessive ataxia, Beauce type. Last evaluated: 2024-08-27. Review status: criteria provided, single submitter. Criteria: Invitae Variant Classification Sherloc (09022015). Collection method: clinical testing. Allele origin: germline.
Comment: This sequence change creates a premature translational stop signal (p.Arg7619*) in the SYNE1 gene. It is expected to result in an absent or disrupted protein product. Loss-of-function variants in SYNE1 are known to be pathogenic (PMID: 19542096, 24319099, 27086870). This variant is present in population databases (rs749432519, gnomAD 0.0009%). This variant has not been reported in the literature in individuals affected with SYNE1-related conditions. ClinVar contains an entry for this variant (Variation ID: 632478). For these reasons, this variant has been classified as Pathogenic.

Literature cited by the submitters: PubMed 19542096; PubMed 24319099; PubMed 27086870.

NM_182961.4(SYNE1):c.23068C>T (p.Arg7690Ter)

Gene: SYNE1 (spectrin repeat containing nuclear envelope protein 1; minus strand). Cytogenetic location: 6q25.2.
Variant type: single nucleotide variant.
Coding change: c.23068C>T on transcript NM_182961.4 (MANE Select); coding-DNA position 23068, C replaced by T.
Protein change: p.Arg7690Ter; replaces arginine 7690 with a stop codon.
Molecular consequence: nonsense.
Genome position (GRCh38, 1-based): chr6:152,201,901, G>A on the plus strand (C>T on the coding strand, the complement: SYNE1 is on the minus strand). VCF-style: chr6-152201901-G-A. GRCh37 (hg19) VCF-style: chr6-152523036-G-A.
Other names: c.22855C>T, p.Arg7619Ter (NM_033071.5); short protein forms R7619*, R7690*.
Identifiers: ClinVar variation 632478 (VCV000632478.6), dbSNP rs749432519, ClinGen allele CA4053701.
Genomic context (GRCh38, chr6:152,201,901, plus strand): 5'-CTGCATGGAGCTCTTCATGGTGATCCGGGAGAGACTGCGAAAGCTTCTTTTTGAAAGTTC[G>A]TAGTTTCTCCAGGGAATCTGCTATTCCTTTCTCACATTTTTCCCAGTCCTATCATGGGAA-3'